The following is an entry in ClinVar:

NM_001113491.2(SEPTIN9):c.106G>A (p.Val36Ile)

Gene: SEPTIN9 (septin 9; plus strand). Cytogenetic location: 17q25.3.
Variant type: single nucleotide variant.
Coding change: c.106G>A on transcript NM_001113491.2 (MANE Select); coding-DNA position 106, G replaced by A.
Protein change: p.Val36Ile; replaces valine 36 with isoleucine.
Molecular consequence: missense variant. On other transcripts: 5 prime UTR variant (2).
Genome position (GRCh38, 1-based): chr17:77,402,088, G>A. VCF-style: chr17-77402088-G-A. GRCh37 (hg19) VCF-style: chr17-75398170-G-A.
Other names: c.52G>A (NM_006640.4); c.-387G>A (NM_001113492.2, NM_001113494.1); c.85G>A, p.Val29Ile (NM_001113493.2); c.49G>A, p.Val17Ile (NM_001293695.2); c.52G>A, p.Val18Ile (NM_006640.5); short protein forms V18I, V17I, V29I, V36I.
Identifiers: ClinVar variation 2885837 (VCV002885837.4), dbSNP rs1202122258, ClinGen allele CA401205504.
Genomic context (GRCh38, chr17:77,402,088, plus strand): 5'-ACCAATTGCATCCCCTCTCTTTATTTTTCAGCCTTGAAAAGATCTTTTGAGGTCGAGGAG[G>A]TCGAGACACCCAACTCCACCCCACCCCGGAGGGTCCAGACTCCCCTACTCCGAGCCACTG-3'
Protein context (NP_001106963.1, residues 26-46): ALKRSFEVEE[Val36Ile]ETPNSTPPRR

ClinVar aggregate classification (germline): Uncertain significance. Review status: criteria provided, multiple submitters, no conflicts (2 of 4 stars). 2 submissions from 2 submitters: Uncertain significance (2). Last evaluated 2024-08-26.

Conditions:
Inborn genetic diseases. Identifiers: MedGen C0950123, MeSH D030342.

Allele frequency attached by ClinVar (database versions not stated): gnomAD exomes below 0.00001.

Submissions (2):

Ambry Genetics
Classification: Uncertain significance for Inborn genetic diseases. Last evaluated: 2024-08-26. Review status: criteria provided, single submitter. Criteria: Ambry Variant Classification Scheme 2023. Collection method: clinical testing. Allele origin: germline.

Labcorp Genetics (formerly Invitae), Labcorp
Classification: Uncertain significance. Last evaluated: 2023-08-14. Review status: criteria provided, single submitter. Criteria: Invitae Variant Classification Sherloc (09022015). Collection method: clinical testing. Allele origin: germline.
Comment: This variant is present in population databases (no rsID available, gnomAD 0.0009%). This variant has not been reported in the literature in individuals affected with SEPT9-related conditions. Advanced modeling of protein sequence and biophysical properties (such as structural, functional, and spatial information, amino acid conservation, physicochemical variation, residue mobility, and thermodynamic stability) performed at Invitae indicates that this missense variant is not expected to disrupt SEPT9 protein function. In summary, the available evidence is currently insufficient to determine the role of this variant in disease. Therefore, it has been classified as a Variant of Uncertain Significance. This sequence change replaces valine, which is neutral and non-polar, with isoleucine, which is neutral and non-polar, at codon 18 of the SEPT9 protein (p.Val18Ile).